The following is an entry in ClinVar:

NM_007118.4(TRIO):c.7314C>T (p.Arg2438=)

Gene: TRIO (trio Rho guanine nucleotide exchange factor; plus strand). Cytogenetic location: 5p15.2.
Variant type: single nucleotide variant.
Coding change: c.7314C>T on transcript NM_007118.4 (MANE Select); coding-DNA position 7314, C replaced by T.
Protein change: p.Arg2438=; no amino-acid change (arginine 2438 retained).
Molecular consequence: synonymous variant.
Genome position (GRCh38, 1-based): chr5:14,487,942, C>T. VCF-style: chr5-14487942-C-T. GRCh37 (hg19) VCF-style: chr5-14488051-C-T.
Identifiers: ClinVar variation 1675977 (VCV001675977.33), dbSNP rs916910575, ClinGen allele CA443537630.

ClinVar aggregate classification (germline): Likely benign (1 of 4 stars; one submission).

Allele frequency attached by ClinVar (database versions not stated): gnomAD 0.00001.
gnomAD v4.1: 6 of 1,546,124 alleles (0.00039%); highest among the groups gnomAD compares: South Asian, 0.0024%; no homozygotes.

Submission:

CeGaT Center for Human Genetics Tuebingen
Classification: Likely benign. Last evaluated: 2022-03-01. Review status: criteria provided, single submitter. Criteria: CeGaT Center For Human Genetics Tuebingen Variant Classification Criteria Version 2. Collection method: clinical testing. Allele origin: germline. Affected: yes. Observed: 1 variant allele.
Comment: TRIO: BP4, BP7